The following is an entry in ClinVar:

NM_032620.4(GTPBP3):c.1314C>T (p.Leu438=)

Gene: GTPBP3 (GTP binding protein 3, mitochondrial; plus strand). Cytogenetic location: 19p13.11.
Variant type: single nucleotide variant.
Coding change: c.1314C>T on transcript NM_032620.4 (MANE Select); coding-DNA position 1314, C replaced by T.
Protein change: p.Leu438=; no amino-acid change (leucine 438 retained).
Molecular consequence: synonymous variant.
Genome position (GRCh38, 1-based): chr19:17,341,538, C>T. VCF-style: chr19-17341538-C-T. GRCh37 (hg19) VCF-style: chr19-17452347-C-T.
Other names: c.1251C>T, p.Leu417= (NM_001128855.3); c.1380C>T, p.Leu460= (NM_001195422.1); c.1410C>T, p.Leu470= (NM_133644.4); c.1410C>T (NM_133644.3).
Identifiers: ClinVar variation 2075376 (VCV002075376.7), dbSNP rs747746347, ClinGen allele CA9293709.

ClinVar aggregate classification (germline): Likely benign. Review status: criteria provided, multiple submitters, no conflicts (2 of 4 stars). 3 submissions from 3 submitters: Likely benign (2). 1 of the submissions does not count toward it. Last evaluated 2024-11-21.

Conditions:
GTPBP3-related disorder. Also called: GTPBP3-related condition.

Allele frequency attached by ClinVar (database versions not stated): ExAC 0.00001; TOPMed 0.00001; gnomAD exomes 0.00002.
gnomAD v4.1: 32 of 1,613,850 alleles (0.002%); highest among the groups gnomAD compares: Middle Eastern, 0.05%; no homozygotes.

Submissions (3):

Blueprint Genetics
Classification: Likely benign. Last evaluated: 2024-11-21. Review status: criteria provided, single submitter. Criteria: ACMG Guidelines, 2015. Collection method: clinical testing. Allele origin: germline.

Labcorp Genetics (formerly Invitae), Labcorp
Classification: Likely benign. Last evaluated: 2024-02-12. Review status: criteria provided, single submitter. Criteria: Invitae Variant Classification Sherloc (09022015). Collection method: clinical testing. Allele origin: germline.

PreventionGenetics, part of Exact Sciences
Classification: Likely benign for GTPBP3-related condition. Last evaluated: 2019-02-26. Review status: no assertion criteria provided. Collection method: clinical testing. Allele origin: germline. Not counted in ClinVar's aggregate classification.
Comment: This variant is classified as likely benign based on ACMG/AMP sequence variant interpretation guidelines (Richards et al. 2015 PMID: 25741868, with internal and published modifications).